The following is an entry in ClinVar:

NM_201596.3(CACNB2):c.1754A>G (p.His585Arg)

Gene: CACNB2 (calcium voltage-gated channel auxiliary subunit beta 2; plus strand). Cytogenetic location: 10p12.31.
Variant type: single nucleotide variant.
Coding change: c.1754A>G on transcript NM_201596.3 (MANE Select); coding-DNA position 1754, A replaced by G.
Protein change: p.His585Arg; replaces histidine 585 with arginine.
Molecular consequence: missense variant.
Genome position (GRCh38, 1-based): chr10:18,539,495, A>G. VCF-style: chr10-18539495-A-G. GRCh37 (hg19) VCF-style: chr10-18828424-A-G.
Other names: c.1589A>G, p.His530Arg (NM_000724.4); c.1556A>G, p.His519Arg (NM_001167945.2); c.1475A>G, p.His492Arg (NM_001330060.2); c.1610A>G, p.His537Arg (NM_201570.3); c.1670A>G, p.His557Arg (NM_201571.4); c.1598A>G, p.His533Arg (NM_201572.4); c.1592A>G, p.His531Arg (NM_201590.3); c.1640A>G, p.His547Arg (NM_201593.3); and 1 more; short protein forms H492R, H531R, H533R, H537R, H561R, H519R, H585R, H530R.
Identifiers: ClinVar variation 1037128 (VCV001037128.9), dbSNP rs1412805204, ClinGen allele CA376072034.

ClinVar aggregate classification (germline): Uncertain significance. Review status: criteria provided, multiple submitters, no conflicts (2 of 4 stars). 2 submissions from 2 submitters: Uncertain significance (2). Last evaluated 2021-09-17.

Conditions:
Brugada syndrome 4 (BRGDA4). Identifiers: Orphanet 130, MedGen C2678477, MONDO:0012743, OMIM 611876.

Allele frequency attached by ClinVar (database versions not stated): gnomAD exomes below 0.00001.
gnomAD v4.1: 1 of 1,613,992 alleles (0.000062%); highest among the groups gnomAD compares: Non-Finnish European, 0.000085%; no homozygotes.

Submissions (2):

Fulgent Genetics
Classification: Uncertain significance for Brugada syndrome 4. Last evaluated: 2021-09-17. Review status: criteria provided, single submitter. Criteria: ACMG Guidelines, 2015. Collection method: clinical testing. Allele origin: unknown.

Labcorp Genetics (formerly Invitae), Labcorp
Classification: Uncertain significance for Brugada syndrome 4. Last evaluated: 2020-04-27. Review status: criteria provided, single submitter. Criteria: Invitae Variant Classification Sherloc (09022015). Collection method: clinical testing. Allele origin: germline.
Comment: This sequence change replaces histidine with arginine at codon 531 of the CACNB2 protein (p.His531Arg). The histidine residue is moderately conserved and there is a small physicochemical difference between histidine and arginine. This variant is not present in population databases (ExAC no frequency). This variant has not been reported in the literature in individuals with CACNB2-related conditions. Algorithms developed to predict the effect of missense changes on protein structure and function (SIFT, PolyPhen-2, Align-GVGD) all suggest that this variant is likely to be tolerated, but these predictions have not been confirmed by published functional studies and their clinical significance is uncertain. In summary, the available evidence is currently insufficient to determine the role of this variant in disease. Therefore, it has been classified as a Variant of Uncertain Significance.